The following is an entry in ClinVar:

ClinVar aggregate classification (germline): Uncertain significance. Review status: criteria provided, multiple submitters, no conflicts (2 of 4 stars). 8 submissions from 7 submitters: Uncertain significance (8). Last evaluated 2026-02-01.

Conditions:
Autosomal dominant spastic paraplegia type 9. Identifiers: MedGen C1832669, MONDO:0015091.
de Barsy syndrome. Also called: Cutis laxa-corneal clouding-oligophrenia syndrome. Identifiers: Orphanet 2962, MedGen C0268354, MONDO:0017569.
Cutis laxa, autosomal dominant 3 (ADCL3). Identifiers: Orphanet 90348, MedGen C4225268, MONDO:0014706, OMIM 616603.
Hereditary spastic paraplegia. Also called: Familial spastic paraparesis. Identifiers: Orphanet 685, MedGen C0037773, MONDO:0019064. Disease mechanism: loss of function.
Inborn genetic diseases. Identifiers: MedGen C0950123, MeSH D030342.
Hearing impairment. Also called: Impaired Hearing. Identifiers: MedGen C1384666, MONDO:0005365, HP:0000365.
Intellectual disability. Also called: Intellectual functioning disability; intellectual disabilities; Intellectual developmental disorder. Identifiers: MedGen C3714756, MeSH D008607, MONDO:0001071, HP:0001249.

Allele frequency attached by ClinVar (database versions not stated): gnomAD 0.00009; TOPMed 0.00009; ExAC 0.00012; ESP Exome Variant Server 0.00015; gnomAD exomes 0.00016.
gnomAD v4.1: 272 of 1,614,110 alleles (0.017%); highest among the groups gnomAD compares: Middle Eastern, 0.049%; no homozygotes.

Submissions (8):

CeGaT Center for Human Genetics Tuebingen
Classification: Uncertain significance. Last evaluated: 2026-02-01. Review status: criteria provided, single submitter. Criteria: CeGaT Center For Human Genetics Tuebingen Variant Classification Criteria Version 2. Collection method: clinical testing. Allele origin: germline. Affected: yes. Observed: 4 variant alleles.

Labcorp Genetics (formerly Invitae), Labcorp
Classification: Uncertain significance for Autosomal dominant spastic paraplegia type 9; de Barsy syndrome; Cutis laxa, autosomal dominant 3. Last evaluated: 2026-01-07. Review status: criteria provided, single submitter. Criteria: Invitae Variant Classification Sherloc (09022015). Collection method: clinical testing. Allele origin: germline.
Comment: This sequence change replaces serine, which is neutral and polar, with isoleucine, which is neutral and non-polar, at codon 65 of the ALDH18A1 protein (p.Ser65Ile). This variant is present in population databases (rs142746793, gnomAD 0.04%). This variant has not been reported in the literature in individuals affected with ALDH18A1-related conditions. ClinVar contains an entry for this variant (Variation ID: 1014744). Invitae Evidence Modeling of protein sequence and biophysical properties (such as structural, functional, and spatial information, amino acid conservation, physicochemical variation, residue mobility, and thermodynamic stability) has been performed for this missense variant. However, the output from this modeling did not meet the statistical confidence thresholds required to predict the impact of this variant on ALDH18A1 protein function. In summary, the available evidence is currently insufficient to determine the role of this variant in disease. Therefore, it has been classified as a Variant of Uncertain Significance.

Blueprint Genetics
Classification: Uncertain significance. Last evaluated: 2024-11-08. Review status: criteria provided, single submitter. Criteria: ACMG Guidelines, 2015. Collection method: clinical testing. Allele origin: germline.

GeneDx
Classification: Uncertain significance. Last evaluated: 2024-06-04. Review status: criteria provided, single submitter. Criteria: GeneDx Variant Classification Process June 2021. Collection method: clinical testing. Allele origin: germline. Affected: yes.
Comment: Has not been previously published as pathogenic or benign to our knowledge; In silico analysis supports that this missense variant has a deleterious effect on protein structure/function

Ambry Genetics
Classification: Uncertain significance for Inborn genetic diseases. Last evaluated: 2022-12-19. Review status: criteria provided, single submitter. Criteria: Ambry Variant Classification Scheme 2023. Collection method: clinical testing. Allele origin: germline.

Cambridge Genomics Laboratory, East Genomic Laboratory Hub, NHS Genomic Medicine Service
Classification: Uncertain significance for Intellectual disability. Last evaluated: 2020-03-04. Review status: criteria provided, single submitter. Criteria: ACGS Best Practice Guidelines for Variant Classification in Rare Disease 2020. Collection method: clinical testing. Allele origin: germline. Affected: yes. Observed: 1 variant allele.

Cambridge Genomics Laboratory, East Genomic Laboratory Hub, NHS Genomic Medicine Service
Classification: Uncertain significance for Hearing impairment. Last evaluated: 2019-12-03. Review status: criteria provided, single submitter. Criteria: ACGS Best Practice Guidelines for Variant Classification in Rare Disease 2020. Collection method: clinical testing. Allele origin: germline. Affected: yes. Observed: 1 variant allele.

Genome Diagnostics Laboratory, The Hospital for Sick Children
Classification: Uncertain significance for Hereditary spastic paraplegia. Last evaluated: 2017-12-01. Review status: criteria provided, single submitter. Criteria: ACMG Guidelines, 2015. Collection method: clinical testing. Allele origin: germline. Affected: yes.

NM_002860.4(ALDH18A1):c.194G>T (p.Ser65Ile)

Gene: ALDH18A1 (aldehyde dehydrogenase 18 family member A1; minus strand). Cytogenetic location: 10q24.1.
Variant type: single nucleotide variant.
Coding change: c.194G>T on transcript NM_002860.4 (MANE Select); coding-DNA position 194, G replaced by T.
Protein change: p.Ser65Ile; replaces serine 65 with isoleucine.
Molecular consequence: missense variant. On other transcripts: intron variant (4).
Genome position (GRCh38, 1-based): chr10:95,643,101, C>A on the plus strand (G>T on the coding strand, the complement: ALDH18A1 is on the minus strand). VCF-style: chr10-95643101-C-A. GRCh37 (hg19) VCF-style: chr10-97402858-C-A.
Other names: c.194G>T, p.Ser65Ile (NM_001017423.2, NM_001323413.2, NM_001323414.2 and 2 more transcripts); c.-78-9452G>T (NM_001323419.2); c.-30-5665G>T (NM_001323412.2, NM_001323418.2, NM_001323416.2); short protein forms S65I.
Identifiers: ClinVar variation 1014744 (VCV001014744.42), dbSNP rs142746793, ClinGen allele CA5620663.